The following is an entry in ClinVar:

ClinVar aggregate classification (germline): Uncertain significance. Review status: criteria provided, multiple submitters, no conflicts (2 of 4 stars). 2 submissions from 2 submitters: Uncertain significance (2). Last evaluated 2025-05-18.

Conditions:
Inborn genetic diseases. Identifiers: MedGen C0950123, MeSH D030342.

gnomAD v4.1: 27 of 1,545,214 alleles (0.0017%); highest among the groups gnomAD compares: East Asian, 0.022%; no homozygotes.

Submissions (2):

Ambry Genetics
Classification: Uncertain significance for Inborn genetic diseases. Last evaluated: 2025-05-18. Review status: criteria provided, single submitter. Criteria: Ambry Variant Classification Scheme 2023. Collection method: clinical testing. Allele origin: germline.

GeneDx
Classification: Uncertain significance. Last evaluated: 2024-01-02. Review status: criteria provided, single submitter. Criteria: GeneDx Variant Classification Process June 2021. Collection method: clinical testing. Allele origin: germline. Affected: yes.
Comment: In silico analysis supports that this missense variant does not alter protein structure/function; Has not been previously published as pathogenic or benign to our knowledge

NM_001271938.2(MEGF8):c.3541G>A (p.Glu1181Lys)

Gene: MEGF8 (multiple EGF like domains 8; plus strand). Cytogenetic location: 19q13.2.
Variant type: single nucleotide variant.
Coding change: c.3541G>A on transcript NM_001271938.2 (MANE Select); coding-DNA position 3541, G replaced by A.
Protein change: p.Glu1181Lys; replaces glutamic acid 1181 with lysine.
Molecular consequence: missense variant.
Genome position (GRCh38, 1-based): chr19:42,353,118, G>A. VCF-style: chr19-42353118-G-A. GRCh37 (hg19) VCF-style: chr19-42857270-G-A.
Other names: c.3340G>A, p.Glu1114Lys (NM_001410.3); short protein forms E1114K, E1181K.
Identifiers: ClinVar variation 3367281 (VCV003367281.2).